The following is an entry in ClinVar:

NM_052813.5(CARD9):c.560T>C (p.Met187Thr)

Gene: CARD9 (caspase recruitment domain family member 9; minus strand). Cytogenetic location: 9q34.3.
Variant type: single nucleotide variant.
Coding change: c.560T>C on transcript NM_052813.5 (MANE Select); coding-DNA position 560, T replaced by C.
Protein change: p.Met187Thr; replaces methionine 187 with threonine.
Molecular consequence: missense variant.
Genome position (GRCh38, 1-based): chr9:136,370,908, A>G on the plus strand (T>C on the coding strand, the complement: CARD9 is on the minus strand). VCF-style: chr9-136370908-A-G. GRCh37 (hg19) VCF-style: chr9-139265360-A-G.
Other names: c.560T>C, p.Met187Thr (NM_052814.4); short protein forms M187T.
Identifiers: ClinVar variation 661246 (VCV000661246.7), dbSNP rs1302956100, ClinGen allele CA375545209.
Genomic context (GRCh38, chr9:136,370,908, plus strand): 5'-TGCAGGTCACGGTTCCGCATGAGCGCGGCGCCCTTCTCCTCACTCTGGTGCGCCAGGCGC[A>G]TGGCCAGGTCGTAGTTCTCCTCCTTGCAGCGCTTGAGCTCGCGGCTGCCGGCCTCGCACT-3'
Protein context (NP_434700.2, residues 177-197): RCKEENYDLA[Met187Thr]RLAHQSEEKG

ClinVar aggregate classification (germline): Uncertain significance (1 of 4 stars; one submission).

Conditions:
Predisposition to invasive fungal disease due to CARD9 deficiency (IMD103). Also called: Candidiasis, familial, 2, autosomal recessive; IMMUNODEFICIENCY 103, SUSCEPTIBILITY TO FUNGAL INFECTIONS; CARD9 IMMUNODEFICIENCY. Identifiers: Orphanet 457088, MedGen C1859353, MONDO:0008905, OMIM 212050.

Allele frequency attached by ClinVar (database versions not stated): gnomAD 0.00001; gnomAD exomes 0.00001; TOPMed 0.00001.

Submission:

Labcorp Genetics (formerly Invitae), Labcorp
Classification: Uncertain significance for Predisposition to invasive fungal disease due to CARD9 deficiency. Last evaluated: 2023-08-24. Review status: criteria provided, single submitter. Criteria: Invitae Variant Classification Sherloc (09022015). Collection method: clinical testing. Allele origin: germline.
Comment: The frequency data for this variant in the population databases is considered unreliable, as metrics indicate poor data quality at this position in the gnomAD database. This sequence change replaces methionine, which is neutral and non-polar, with threonine, which is neutral and polar, at codon 187 of the CARD9 protein (p.Met187Thr). In summary, the available evidence is currently insufficient to determine the role of this variant in disease. Therefore, it has been classified as a Variant of Uncertain Significance. Advanced modeling of protein sequence and biophysical properties (such as structural, functional, and spatial information, amino acid conservation, physicochemical variation, residue mobility, and thermodynamic stability) performed at Invitae indicates that this missense variant is not expected to disrupt CARD9 protein function. ClinVar contains an entry for this variant (Variation ID: 661246). This variant has not been reported in the literature in individuals affected with CARD9-related conditions.